The following is an entry in ClinVar:

NM_006180.6(NTRK2):c.2271C>T (p.Val757=)

Gene: NTRK2 (neurotrophic receptor tyrosine kinase 2; plus strand). Cytogenetic location: 9q21.33.
Variant type: single nucleotide variant.
Coding change: c.2271C>T on transcript NM_006180.6 (MANE Select); coding-DNA position 2271, C replaced by T.
Protein change: p.Val757=; no amino-acid change (valine 757 retained).
Molecular consequence: synonymous variant.
Genome position (GRCh38, 1-based): chr9:85,020,304, C>T. VCF-style: chr9-85020304-C-T. GRCh37 (hg19) VCF-style: chr9-87635219-C-T.
Other names: c.2271C>T (NM_006180.4); c.2223C>T, p.Val741= (NM_001018064.3, NM_001369532.1, NM_001369533.1); c.2187C>T, p.Val729= (NM_001369534.1); c.1755C>T, p.Val585= (NM_001369535.1); c.1803C>T, p.Val601= (NM_001369536.1); c.2271C>T, p.Val757= (NM_001381928.1).
Identifiers: ClinVar variation 2997124 (VCV002997124.5), dbSNP rs772246056, ClinGen allele CA5105961.
Genomic context (GRCh38, chr9:85,020,304, plus strand): 5'-TCCAGAGAGCATCATGTACAGGAAATTCACGACGGAAAGCGACGTCTGGAGCCTGGGGGT[C>T]GTGTTGTGGGAGATTTTCACCTATGGCAAACAGCCCTGGTACCAGCTGTCAAACAATGAG-3'
Protein context (NP_006171.2, residues 747-767): TTESDVWSLG[Val757=]VLWEIFTYGK

ClinVar aggregate classification (germline): Likely benign. Review status: criteria provided, single submitter (1 of 4 stars). 2 submissions from 2 submitters: Likely benign (1). 1 of the submissions does not count toward it. Last evaluated 2025-06-23.

Conditions:
NTRK2-related disorder. Also called: NTRK2-related condition.

Allele frequency attached by ClinVar (database versions not stated): gnomAD exomes 0.00001; ExAC 0.00001.
gnomAD v4.1: 8 of 1,614,078 alleles (0.0005%); highest among the groups gnomAD compares: Admixed American, 0.0017%; no homozygotes.

Submissions (2):

Labcorp Genetics (formerly Invitae), Labcorp
Classification: Likely benign. Last evaluated: 2025-06-23. Review status: criteria provided, single submitter. Criteria: Invitae Variant Classification Sherloc (09022015). Collection method: clinical testing. Allele origin: germline.

PreventionGenetics, part of Exact Sciences
Classification: Likely benign for NTRK2-related condition. Last evaluated: 2022-07-21. Review status: no assertion criteria provided. Collection method: clinical testing. Allele origin: germline. Not counted in ClinVar's aggregate classification.
Comment: This variant is classified as likely benign based on ACMG/AMP sequence variant interpretation guidelines (Richards et al. 2015 PMID: 25741868, with internal and published modifications).